The following is an entry in ClinVar:

ClinVar aggregate classification (germline): Uncertain significance (1 of 4 stars; one submission).

Conditions:
Autosomal dominant Parkinson disease 8. Also called: LRRK2-Related Parkinson Disease; Parkinson disease 8; Parkinson disease 8, susceptibility to. Identifiers: Orphanet 411602, MedGen C1846862, MONDO:0011764, OMIM 607060.

Submission:

Labcorp Genetics (formerly Invitae), Labcorp
Classification: Uncertain significance for Autosomal dominant Parkinson disease 8. Last evaluated: 2018-05-18. Review status: criteria provided, single submitter. Criteria: Invitae Variant Classification Sherloc (09022015). Collection method: clinical testing. Allele origin: germline.
Comment: This sequence change affects an acceptor splice site in intron 43 of the LRRK2 gene. It is expected to disrupt RNA splicing and likely results in an absent or disrupted protein product. In summary, the available evidence is currently insufficient to determine the role of this variant in disease. Therefore, it has been classified as a Variant of Uncertain Significance. The current clinical and genetic evidence is not sufficient to establish whether loss-of-function variants in LRRK2 cause disease. Algorithms developed to predict the effect of sequence changes on RNA splicing suggest that this variant may disrupt the consensus splice site, but this prediction has not been confirmed by published transcriptional studies. This variant has not been reported in the literature in individuals with LRRK2-related disease. This variant is not present in population databases (ExAC no frequency).

NM_198578.4(LRRK2):c.6382-2A>G

Gene: LRRK2 (leucine rich repeat kinase 2; plus strand). Cytogenetic location: 12q12.
Variant type: single nucleotide variant.
Coding change: c.6382-2A>G on transcript NM_198578.4 (MANE Select); the canonical splice acceptor site of the intron before coding-DNA position 6382, A replaced by G.
Molecular consequence: splice acceptor variant.
Genome position (GRCh38, 1-based): chr12:40,351,537, A>G. VCF-style: chr12-40351537-A-G. GRCh37 (hg19) VCF-style: chr12-40745339-A-G.
Identifiers: ClinVar variation 583272 (VCV000583272.7), dbSNP rs1565772858, ClinGen allele CA384406419.